The following is an entry in ClinVar:

NM_031443.4(CCM2):c.620del (p.Glu207fs)

Gene: CCM2 (CCM2 scaffold protein; plus strand). Cytogenetic location: 7p13.
Variant type: Deletion.
Coding change: c.620del on transcript NM_031443.4 (MANE Select); coding-DNA position 620, one base deleted (A; older notation c.620delA).
Protein change: p.Glu207fs; shifts the reading frame from glutamic acid 207.
Molecular consequence: frameshift variant. On other transcripts: non-coding transcript variant (1), intron variant (1).
Genome position (GRCh38, 1-based): chr7:45,069,836, A deleted. VCF-style (leftmost placement, unchanged base first): chr7-45069835-GA-G. GRCh37 (hg19) VCF-style: chr7-45109434-GA-G.
Other names: c.683del, p.Glu228fs (NM_001029835.2); c.446del, p.Glu149fs (NM_001167934.2, NM_001363459.2); c.620del, p.Glu207fs (NM_001363458.2); c.473-2890del (NM_001167935.2); short protein forms E149fs, E207fs, E228fs.
Identifiers: ClinVar variation 4823662 (VCV004823662.4).

ClinVar aggregate classification (germline): Pathogenic (1 of 4 stars; one submission).

Submission:

CeGaT Center for Human Genetics Tuebingen
Classification: Pathogenic. Last evaluated: 2026-03-01. Review status: criteria provided, single submitter. Criteria: CeGaT Center For Human Genetics Tuebingen Variant Classification Criteria Version 2. Collection method: clinical testing. Allele origin: germline. Affected: yes. Observed: 1 variant allele.
Comment: CCM2: PVS1, PM2